The following is an entry in ClinVar:

NM_004006.3(DMD):c.3511G>T (p.Glu1171Ter)

Gene: DMD (dystrophin; minus strand). Cytogenetic location: Xp21.1.
Variant type: single nucleotide variant.
Coding change: c.3511G>T on transcript NM_004006.3 (MANE Select); coding-DNA position 3511, G replaced by T.
Protein change: p.Glu1171Ter; replaces glutamic acid 1171 with a stop codon.
Molecular consequence: nonsense.
Genome position (GRCh38, 1-based): chrX:32,454,754, C>A on the plus strand (G>T on the coding strand, the complement: DMD is on the minus strand). VCF-style: chrX-32454754-C-A. GRCh37 (hg19) VCF-style: chrX-32472871-C-A.
Other names: c.3487G>T, p.Glu1163Ter (NM_000109.4); c.3499G>T, p.Glu1167Ter (NM_004009.3); c.3142G>T, p.Glu1048Ter (NM_004010.3); short protein forms E1048*, E1163*, E1167*, E1171*.
Identifiers: ClinVar variation 1070053 (VCV001070053.12), dbSNP rs1263708289, ClinGen allele CA412663240.

ClinVar aggregate classification (germline): Pathogenic. Review status: criteria provided, multiple submitters, no conflicts (2 of 4 stars). 2 submissions from 2 submitters: Pathogenic (2). Last evaluated 2022-11-23.

Conditions:
Duchenne muscular dystrophy (DMD). Also called: MUSCULAR DYSTROPHY, PSEUDOHYPERTROPHIC PROGRESSIVE, DUCHENNE TYPE; Duchenne Muscular Dystrophy (DMD). Identifiers: Orphanet 98896, MedGen C0013264, MONDO:0010679, OMIM 310200.

Submissions (2):

Revvity Omics, Revvity
Classification: Pathogenic. Last evaluated: 2022-11-23. Review status: criteria provided, single submitter. Criteria: ACMG Guidelines, 2015. Collection method: clinical testing. Allele origin: germline.

Labcorp Genetics (formerly Invitae), Labcorp
Classification: Pathogenic for Duchenne muscular dystrophy. Last evaluated: 2020-09-10. Review status: criteria provided, single submitter. Criteria: Invitae Variant Classification Sherloc (09022015). Collection method: clinical testing. Allele origin: germline.
Comment: For these reasons, this variant has been classified as Pathogenic. This sequence change creates a premature translational stop signal (p.Glu1171*) in the DMD gene. It is expected to result in an absent or disrupted protein product. This variant is not present in population databases (ExAC no frequency). This variant has been observed in individual(s) with Duchenne muscular dystrophy (PMID: 23536893, 26968818, Invitae). Loss-of-function variants in DMD are known to be pathogenic (PMID: 16770791, 25007885).

Literature cited by the submitters: PubMed 23536893 (cited by Labcorp Genetics (formerly Invitae), Labcorp); PubMed 26968818 (cited by Labcorp Genetics (formerly Invitae), Labcorp); PubMed 16770791 (cited by Labcorp Genetics (formerly Invitae), Labcorp); PubMed 25007885 (cited by Labcorp Genetics (formerly Invitae), Labcorp).